The following is an entry in ClinVar:

NM_001048174.2(MUTYH):c.913+13C>T

Gene: MUTYH (mutY DNA glycosylase; minus strand). Cytogenetic location: 1p34.1.
Variant type: single nucleotide variant.
Coding change: c.913+13C>T on transcript NM_001048174.2 (MANE Select); 13 bases into the intron after coding-DNA position 913, C replaced by T.
Molecular consequence: intron variant.
Genome position (GRCh38, 1-based): chr1:45,332,010, G>A on the plus strand (C>T on the coding strand, the complement: MUTYH is on the minus strand). VCF-style: chr1-45332010-G-A. GRCh37 (hg19) VCF-style: chr1-45797682-G-A.
Other names: c.568+13C>T (NM_001350651.2, NM_001350650.2); c.637+13C>T (NM_001293192.2, NM_001293196.2); c.913+13C>T (NM_001048171.2, NM_001048173.2, NM_001293195.2); c.958+13C>T (NM_001293190.2); c.988+13C>T (NM_012222.3); c.997+13C>T (NM_001128425.2); c.916+13C>T (NM_001048172.2); c.946+13C>T (NM_001293191.2).
Identifiers: ClinVar variation 388554 (VCV000388554.11), dbSNP rs777729507, ClinGen allele CA059871.

ClinVar aggregate classification (germline): Likely benign. Review status: criteria provided, multiple submitters, no conflicts (2 of 4 stars). 3 submissions from 3 submitters: Likely benign (3). Last evaluated 2026-01-05.

Conditions:
Hereditary cancer-predisposing syndrome. Also called: Neoplastic Syndromes, Hereditary; Hereditary Cancer Syndrome; Hereditary neoplastic syndrome; Tumor predisposition. Identifiers: Orphanet 140162, MedGen C0027672, MeSH D009386, MONDO:0015356.
Familial adenomatous polyposis 2. Also called: ADENOMAS, MULTIPLE COLORECTAL, AUTOSOMAL RECESSIVE; MYH-associated polyposis; Adenomas, multiple colorectal; MUTYH Polyposis; COLORECTAL ADENOMATOUS POLYPOSIS, AUTOSOMAL RECESSIVE; FAP type 2. Identifiers: Orphanet 220460, Orphanet 247798, MedGen C3272841, MONDO:0012041, OMIM 608456.

Allele frequency attached by ClinVar (database versions not stated): gnomAD exomes below 0.00001 and 0.00001; ExAC 0.00001.
gnomAD v4.1: 3 of 1,614,180 alleles (0.00019%); highest among the groups gnomAD compares: Non-Finnish European, 0.00025%; no homozygotes.

Submissions (3):

Labcorp Genetics (formerly Invitae), Labcorp
Classification: Likely benign for Familial adenomatous polyposis 2. Last evaluated: 2026-01-05. Review status: criteria provided, single submitter. Criteria: Invitae Variant Classification Sherloc (09022015). Collection method: clinical testing. Allele origin: germline.

Color Diagnostics, LLC DBA Color Health
Classification: Likely benign for Hereditary cancer-predisposing syndrome. Last evaluated: 2019-01-30. Review status: criteria provided, single submitter. Criteria: ACMG Guidelines, 2015. Collection method: clinical testing. Allele origin: germline.

GeneDx
Classification: Likely benign. Last evaluated: 2016-08-12. Review status: criteria provided, single submitter. Criteria: GeneDx Variant Classification (06012015). Collection method: clinical testing. Allele origin: germline. Affected: yes.
Comment: This variant is considered likely benign or benign based on one or more of the following criteria: it is a conservative change, it occurs at a poorly conserved position in the protein, it is predicted to be benign by multiple in silico algorithms, and/or has population frequency not consistent with disease.